The following is an entry in ClinVar:

NM_001042424.3(NSD2):c.3549_3552del (p.Cys1183fs)

Gene: NSD2 (nuclear receptor binding SET domain protein 2; plus strand). Cytogenetic location: 4p16.3.
Variant type: Deletion.
Coding change: c.3549_3552del on transcript NM_001042424.3 (MANE Select); coding-DNA positions 3549 to 3552, 4 bases deleted (TCTG; older notation c.3549_3552delTCTG).
Protein change: p.Cys1183fs; shifts the reading frame from cysteine 1183.
Molecular consequence: frameshift variant.
Genome position (GRCh38, 1-based): chr4:1,975,328-1,975,331, TCTG deleted; deleting any 4 consecutive bases within chr4:1,975,326-1,975,331 gives the same sequence; the c. name uses the placement nearest the transcript's 3' end. VCF-style (leftmost placement, unchanged base first): chr4-1975325-TTGTC-T. GRCh37 (hg19) VCF-style: chr4-1977052-TTGTC-T.
Other names: c.3549_3552del, p.Cys1183fs (NM_001440892.1, NM_133330.3, NM_133331.3 and 1 more transcripts); c.3648_3651del, p.Cys1216fs (NM_001440893.1); c.3432_3435del, p.Cys1144fs (NM_001440894.1); c.3402_3405del, p.Cys1134fs (NM_001440895.1); c.3348_3351del, p.Cys1116fs (NM_001440896.1); c.3342_3345del, p.Cys1114fs (NM_001440897.1); c.3225_3228del, p.Cys1075fs (NM_001440898.1); c.2580_2583del, p.Cys860fs (NM_001440899.1, NM_001440900.1); short protein forms C1075fs, C1114fs, C1116fs, C1134fs, C1144fs, C1183fs, C1216fs, C860fs.
Identifiers: ClinVar variation 4531936 (VCV004531936.1).

ClinVar aggregate classification (germline): Likely pathogenic (1 of 4 stars; one submission).

Conditions:
Rauch-Steindl syndrome (RAUST). Identifiers: Orphanet 659642, MedGen C5562061, MONDO:0859219, OMIM 619695.

Submission:

Victorian Clinical Genetics Services, Murdoch Childrens Research Institute
Classification: Likely pathogenic for Rauch-Steindl syndrome. Last evaluated: 2024-12-20. Review status: criteria provided, single submitter. Criteria: ACMG Guidelines, 2015. Collection method: clinical testing. Allele origin: germline. Affected: yes.
Comment: This variant is classified as Likely pathogenic. Evidence in support of pathogenic classification: Variant is predicted to result in a truncated protein (premature termination codon is NOT located at least 54 nucleotides upstream of the final exon-exon junction) with less than 1/3 of the protein sequence affected; Variant is present in gnomAD <0.001 for a dominant condition (v4: 1 heterozygote(s), 0 homozygote(s)); Other protein truncating variants comparable to the one identified in this case have moderate previous evidence for pathogenicity. The p.(Cys1183Valfs*146) variant has been reported in the literature in an individual with developmental delay and dysmorphic features (PMID: 33941880). Additionally, the p.(Glu1279Asnfs*50) variant has been classified as likely pathogenic, and the p.(Trp1358*) variant has been classified as a VUS by a clinical laboratory (ClinVar). Additional information: This variant is heterozygous; This gene is associated with autosomal dominant disease; This variant has no previous evidence of pathogenicity; No published segregation evidence has been identified for this variant; No published functional evidence has been identified for this variant; Variant affects the annotated histone-lysine N-methyltransferase NSD-like, PHD zinc finger 1 domain and the NSD Cys-His rich domain (DECIPHER); Loss of function and gain of function are known mechanisms of disease in this gene and are associated with Rauch-Steindl syndrome (MIM#619695), and a neurodevelopmental disorder, NSD2-related (MONDO:0700092), respectively. A single recurring missense variant with a gain of function mechanism has been reported to cause a more severe neurodevelopmental disorder, whereas loss of function missense variants and those resulting in a premature termination codon have been reported to cause Rauch-Steindl syndrome (PMIDs: 36189577, 33941880); Variants in this gene are known to have variable expressivity (OMIM); Inheritance information for this variant is not currently available in this individual.

Literature cited by the submitters: PubMed 36189577; PubMed 33941880.